The following is an entry in ClinVar:

ClinVar aggregate classification (germline): Uncertain significance (1 of 4 stars; one submission).

Submission:

CeGaT Center for Human Genetics Tuebingen
Classification: Uncertain significance. Last evaluated: 2024-02-01. Review status: criteria provided, single submitter. Criteria: CeGaT Center For Human Genetics Tuebingen Variant Classification Criteria Version 2. Collection method: clinical testing. Allele origin: germline. Affected: yes. Observed: 1 variant allele.
Comment: TTN: PM2:Supporting, BP4

NM_001267550.2(TTN):c.17739A>G (p.Leu5913=)

Gene: TTN (titin; minus strand). Cytogenetic location: 2q31.2.
Variant type: single nucleotide variant.
Coding change: c.17739A>G on transcript NM_001267550.2 (MANE Select); coding-DNA position 17739, A replaced by G.
Protein change: p.Leu5913=; no amino-acid change (leucine 5913 retained).
Molecular consequence: synonymous variant. On other transcripts: intron variant (3).
Genome position (GRCh38, 1-based): chr2:178,730,926, T>C on the plus strand (A>G on the coding strand, the complement: TTN is on the minus strand). VCF-style: chr2-178730926-T-C. GRCh37 (hg19) VCF-style: chr2-179595653-T-C.
Other names: c.13657+7156A>G (NM_133432.3); c.16788A>G, p.Leu5596= (NM_001256850.1); c.14007A>G, p.Leu4669= (NM_133378.4); c.13282+7156A>G (NM_003319.4); c.13858+7156A>G (NM_133437.4).
Identifiers: ClinVar variation 3027202 (VCV003027202.22), dbSNP rs2530033573, ClinGen allele CA430292974.